The following is an entry in ClinVar:

NM_006059.4(LAMC3):c.374-2_374-1delinsCC

Gene: LAMC3 (laminin subunit gamma 3; plus strand). Cytogenetic location: 9q34.12.
Variant type: Indel.
Coding change: c.374-2_374-1delinsCC on transcript NM_006059.4 (MANE Select); the canonical splice acceptor site of the intron before coding-DNA position 374, AG replaced by CC.
Molecular consequence: splice acceptor variant.
Genome position (GRCh38, 1-based): chr9:131,026,283-131,026,284, AG replaced by CC. VCF-style: chr9-131026283-AG-CC. GRCh37 (hg19) VCF-style: chr9-133901670-AG-CC.
Identifiers: ClinVar variation 2028580 (VCV002028580.4), dbSNP rs2490680513, ClinGen allele CA2580079816.

ClinVar aggregate classification (germline): Likely pathogenic (1 of 4 stars; one submission).

Submission:

Labcorp Genetics (formerly Invitae), Labcorp
Classification: Likely pathogenic. Last evaluated: 2022-09-02. Review status: criteria provided, single submitter. Criteria: Invitae Variant Classification Sherloc (09022015). Collection method: clinical testing. Allele origin: germline.
Comment: Disruption of this splice site has been observed in individual(s) with clinical features of occipital cortical malformations (Invitae). Information on the frequency of this variant in the gnomAD database is not available, as this variant may be reported differently in the database. This sequence change affects an acceptor splice site in intron 1 of the LAMC3 gene. It is expected to disrupt RNA splicing. Variants that disrupt the donor or acceptor splice site typically lead to a loss of protein function (PMID: 16199547), and loss-of-function variants in LAMC3 are known to be pathogenic (PMID: 21572413, 26802095). Experimental studies and prediction algorithms are not available or were not evaluated, and the effect of this variant on mRNA splicing is currently unknown. In summary, the currently available evidence indicates that the variant is pathogenic, but additional data are needed to prove that conclusively. Therefore, this variant has been classified as Likely Pathogenic.

Literature cited by the submitters: PubMed 16199547; PubMed 21572413; PubMed 26802095.